The following is an entry in ClinVar:

NM_006939.4(SOS2):c.1582T>A (p.Ser528Thr)

Gene: SOS2 (SOS Ras/Rho guanine nucleotide exchange factor 2; minus strand). Cytogenetic location: 14q21.3.
Variant type: single nucleotide variant.
Coding change: c.1582T>A on transcript NM_006939.4 (MANE Select); coding-DNA position 1582, T replaced by A.
Protein change: p.Ser528Thr; replaces serine 528 with threonine.
Molecular consequence: missense variant.
Genome position (GRCh38, 1-based): chr14:50,159,701, A>T on the plus strand (T>A on the coding strand, the complement: SOS2 is on the minus strand). VCF-style: chr14-50159701-A-T. GRCh37 (hg19) VCF-style: chr14-50626419-A-T.
Other names: c.1483T>A, p.Ser495Thr (NM_001411020.1); short protein forms S528T, S495T.
Identifiers: ClinVar variation 2625426 (VCV002625426.2), dbSNP rs557498497, ClinGen allele CA260736120.

ClinVar aggregate classification (germline): Uncertain significance (1 of 4 stars; one submission).

Conditions:
Cardiovascular phenotype. Identifiers: MedGen CN230736.

Allele frequency attached by ClinVar (database versions not stated): gnomAD exomes 0.00001.
gnomAD v4.1: 3 of 1,614,118 alleles (0.00019%); highest among the groups gnomAD compares: Non-Finnish European, 0.00025%; no homozygotes.

Submission:

Ambry Genetics
Classification: Uncertain significance for Cardiovascular phenotype. Last evaluated: 2023-06-17. Review status: criteria provided, single submitter. Criteria: Ambry Variant Classification Scheme 2023. Collection method: clinical testing. Allele origin: germline.
Comment: The p.S528T variant (also known as c.1582T>A), located in coding exon 10 of the SOS2 gene, results from a T to A substitution at nucleotide position 1582. The serine at codon 528 is replaced by threonine, an amino acid with similar properties. This amino acid position is conserved. In addition, this alteration is predicted to be tolerated by in silico analysis. Since supporting evidence is limited at this time, the clinical significance of this alteration remains unclear.